The following is an entry in ClinVar:

NM_017617.5(NOTCH1):c.6921A>T (p.Gln2307His)

Gene: NOTCH1 (notch receptor 1; minus strand). Cytogenetic location: 9q34.3.
Variant type: single nucleotide variant.
Coding change: c.6921A>T on transcript NM_017617.5 (MANE Select); coding-DNA position 6921, A replaced by T.
Protein change: p.Gln2307His; replaces glutamine 2307 with histidine.
Molecular consequence: missense variant.
Genome position (GRCh38, 1-based): chr9:136,496,818, T>A on the plus strand (A>T on the coding strand, the complement: NOTCH1 is on the minus strand). VCF-style: chr9-136496818-T-A. GRCh37 (hg19) VCF-style: chr9-139391270-T-A.
Other names: short protein forms Q2307H.
Identifiers: ClinVar variation 4861105 (VCV004861105.1).

ClinVar aggregate classification (germline): Uncertain significance (1 of 4 stars; one submission).

Conditions:
Familial thoracic aortic aneurysm and aortic dissection (TAAD). Also called: Thoracic aortic aneurysms and dissections. Identifiers: Orphanet 91387, MedGen C4707243, MONDO:0019625.

Submission:

Ambry Genetics
Classification: Uncertain significance for Familial thoracic aortic aneurysm and aortic dissection. Last evaluated: 2026-04-29. Review status: criteria provided, single submitter. Criteria: Ambry Variant Classification Scheme 2023. Collection method: clinical testing. Allele origin: germline.
Comment: The p.Q2307H variant (also known as c.6921A>T), located in coding exon 34 of the NOTCH1 gene, results from an A to T substitution at nucleotide position 6921. The glutamine at codon 2307 is replaced by histidine, an amino acid with highly similar properties. This amino acid position is well conserved in available vertebrate species. In addition, the in silico prediction for this alteration is inconclusive. Based on the available evidence, the clinical significance of this variant remains unclear.